The following is an entry in ClinVar:

ClinVar aggregate classification (germline): Uncertain significance (1 of 4 stars; one submission).

Conditions:
Hereditary cancer-predisposing syndrome. Also called: Neoplastic Syndromes, Hereditary; Tumor predisposition; Hereditary Cancer Syndrome; Hereditary neoplastic syndrome. Identifiers: Orphanet 140162, MedGen C0027672, MeSH D009386, MONDO:0015356.

Submission:

Labcorp Genetics (formerly Invitae), Labcorp
Classification: Uncertain significance for Hereditary cancer-predisposing syndrome. Last evaluated: 2017-07-02. Review status: criteria provided, single submitter. Criteria: Invitae Variant Classification Sherloc (09022015). Collection method: clinical testing. Allele origin: germline.
Comment: In summary, the available evidence is currently insufficient to determine the role of this variant in disease. Therefore, it has been classified as a Variant of Uncertain Significance. Algorithms developed to predict the effect of missense changes on protein structure and function (SIFT, PolyPhen-2, Align-GVGD) all suggest that this variant is likely to be tolerated, but these predictions have not been confirmed by published functional studies and their clinical significance is uncertain. This variant has not been reported in the literature in individuals with RAD50-related disease. This variant is not present in population databases (ExAC no frequency). This sequence change replaces glutamic acid with lysine at codon 1102 of the RAD50 protein (p.Glu1102Lys). The glutamic acid residue is moderately conserved and there is a small physicochemical difference between glutamic acid and lysine.

NM_005732.4(RAD50):c.3304G>A (p.Glu1102Lys)

Gene: RAD50 (RAD50 double strand break repair protein; plus strand). Cytogenetic location: 5q31.1.
Variant type: single nucleotide variant.
Coding change: c.3304G>A on transcript NM_005732.4 (MANE Select); coding-DNA position 3304, G replaced by A.
Protein change: p.Glu1102Lys; replaces glutamic acid 1102 with lysine.
Molecular consequence: missense variant.
Genome position (GRCh38, 1-based): chr5:132,618,209, G>A. VCF-style: chr5-132618209-G-A. GRCh37 (hg19) VCF-style: chr5-131953901-G-A.
Other names: short protein forms E1102K.
Identifiers: ClinVar variation 457444 (VCV000457444.9), dbSNP rs1554099877, ClinGen allele CA360964784.
Genomic context (GRCh38, chr5:132,618,209, plus strand): 5'-GAAGAAGAAATTATTCATTTTAAGAAAGAACTTCGAGAACCACAATTTCGGGATGCTGAG[G>A]AAAAGTATAGAGAAATGATGATTGTTATGAGGACAACAGAACTTGTGAACAAGGATCTGG-3'
Protein context (NP_005723.2, residues 1092-1112): LREPQFRDAE[Glu1102Lys]KYREMMIVMR